The following is an entry in ClinVar:

NM_017780.4(CHD7):c.1181C>G (p.Pro394Arg)

Gene: CHD7 (chromodomain helicase DNA binding protein 7; plus strand). Cytogenetic location: 8q12.2.
Variant type: single nucleotide variant.
Coding change: c.1181C>G on transcript NM_017780.4 (MANE Select); coding-DNA position 1181, C replaced by G.
Protein change: p.Pro394Arg; replaces proline 394 with arginine.
Molecular consequence: missense variant.
Genome position (GRCh38, 1-based): chr8:60,742,613, C>G. VCF-style: chr8-60742613-C-G. GRCh37 (hg19) VCF-style: chr8-61655172-C-G.
Other names: c.1181C>G, p.Pro394Arg (NM_001316690.1); short protein forms P394R.
Identifiers: ClinVar variation 4802745 (VCV004802745.1).

ClinVar aggregate classification (germline): Uncertain significance (1 of 4 stars; one submission).

Conditions:
CHARGE syndrome (CHARGE). Also called: Hittner Hirsch Kreh syndrome; CHARGE ASSOCIATION--COLOBOMA, HEART ANOMALY, CHOANAL ATRESIA, RETARDATION, GENITAL AND EAR ANOMALIES; Coloboma, heart anomaly, choanal atresia, retardation, genital and ear anomalies; CHARGE association; Hall-Hittner syndrome. Identifiers: Orphanet 138, MedGen C0265354, MONDO:0008965.

Submission:

Labcorp Genetics (formerly Invitae), Labcorp
Classification: Uncertain significance for CHARGE syndrome. Last evaluated: 2025-12-30. Review status: criteria provided, single submitter. Criteria: Invitae Variant Classification Sherloc (09022015). Collection method: clinical testing. Allele origin: germline.
Comment: This sequence change replaces proline, which is neutral and non-polar, with arginine, which is basic and polar, at codon 394 of the CHD7 protein (p.Pro394Arg). This variant is not present in population databases (gnomAD no frequency). This variant has not been reported in the literature in individuals affected with CHD7-related conditions. Invitae Evidence Modeling of protein sequence and biophysical properties (such as structural, functional, and spatial information, amino acid conservation, physicochemical variation, residue mobility, and thermodynamic stability) has been performed for this missense variant. However, the output from this modeling did not meet the statistical confidence thresholds required to predict the impact of this variant on CHD7 protein function. In summary, the available evidence is currently insufficient to determine the role of this variant in disease. Therefore, it has been classified as a Variant of Uncertain Significance.